The following is an entry in ClinVar:

ClinVar aggregate classification (germline): Uncertain significance (1 of 4 stars; one submission).

gnomAD v4.1: 2 of 1,606,468 alleles (0.00012%); highest among the groups gnomAD compares: Non-Finnish European, 0.00017%; no homozygotes.

Submission:

GeneDx
Classification: Uncertain significance. Last evaluated: 2025-04-07. Review status: criteria provided, single submitter. Criteria: GeneDx Variant Classification Process June 2021. Collection method: clinical testing. Allele origin: germline. Affected: yes.
Comment: Not observed at significant frequency in large population cohorts (gnomAD); In silico analysis supports that this missense variant has a deleterious effect on protein structure/function; Has not been previously published as pathogenic or benign to our knowledge

NM_001127222.2(CACNA1A):c.2368C>T (p.Arg790Trp)

Gene: CACNA1A (calcium voltage-gated channel subunit alpha1 A; minus strand). Cytogenetic location: 19p13.13.
Variant type: single nucleotide variant.
Coding change: c.2368C>T on transcript NM_001127222.2 (MANE Select); coding-DNA position 2368, C replaced by T.
Protein change: p.Arg790Trp; replaces arginine 790 with tryptophan.
Molecular consequence: missense variant.
Genome position (GRCh38, 1-based): chr19:13,299,265, G>A on the plus strand (C>T on the coding strand, the complement: CACNA1A is on the minus strand). VCF-style: chr19-13299265-G-A. GRCh37 (hg19) VCF-style: chr19-13410079-G-A.
Other names: c.2380C>T, p.Arg794Trp (NM_023035.3, NM_000068.4); c.2371C>T, p.Arg791Trp (NM_001127221.2, NM_001174080.2); short protein forms R790W, R791W, R794W.
Identifiers: ClinVar variation 4282395 (VCV004282395.1).
Genomic context (GRCh38, chr19:13,299,265, plus strand): 5'-GCCGCGTGTAGGCAGCCTTCCAGCGCTCGTCCGGGTCCATTTCGTTATACAGGGCCTCCC[G>A]GCTGGCCAGCAAGTTCTGCTTTCGCATCTCACTGGTCCGCTGCTCCCACACGGACTTGGC-3'
Protein context (NP_001120694.1, residues 780-800): EMRKQNLLAS[Arg790Trp]EALYNEMDPD